The following is an entry in ClinVar:

ClinVar aggregate classification (germline): Pathogenic (1 of 4 stars; one submission).

Conditions:
Neuromuscular disease caused by qualitative or quantitative defects of dystrophin. Also called: Qualitative or quantitative defects of dystrophin. Identifiers: Orphanet 207085, MedGen C5679787, MONDO:0016147.

Submission:

Women's Health and Genetics/Laboratory Corporation of America, LabCorp
Classification: Pathogenic for Neuromuscular disease caused by qualitative or quantitative defects of dystrophin. Last evaluated: 2023-03-17. Review status: criteria provided, single submitter. Criteria: LabCorp Variant Classification Summary - May 2015. Collection method: clinical testing. Allele origin: germline.
Comment: Variant summary: The variant identified by MLPA or other technology involves the duplication of exons 17 in the DMD gene. A presumed nomenclature of c.(1992+1_1993-1)_(2168+1_2169-1)dup has been designated for the purposes of this classification. It has been assumed that this is a tandem duplication in direct orientation (Richardson_GIM_2018, Newman_AJHG_2015). It is expected to result in a frameshift in the DMD gene. The variant was absent in 16120 control chromosomes in the gnomAD database (structural variants dataset). c.(1992+1_1993-1)_(2168+1_2169-1)dup has been reported in the literature in individuals affected with Dystrophinopathies (e.g. White_2002, Prior_2005, White_2006, Saillour_2008, Ling_2020, Nallamilli_2021). These data indicate that the variant is very likely to be associated with disease. To our knowledge, no experimental evidence demonstrating an impact on protein function has been reported. One clinical diagnostic laboratory has submitted clinical-significance assessments for this variant to ClinVar after 2014, and classified the variant as pathogenic. Based on the evidence outlined above, the variant was classified as pathogenic.

Literature cited by the submitters: PubMed 18683213; PubMed 16917894; PubMed 31705731; PubMed 16049303; PubMed 12111668; PubMed 33644936.

NC_000023.10:g.(32536249_32563275)_(32563452_32583818)dup

Gene: DMD (dystrophin; minus strand). Cytogenetic location: Xp21.1.
Variant type: Duplication.
Identifiers: ClinVar variation 2501147 (VCV002501147.1).